The following is an entry in ClinVar:

ClinVar aggregate classification (germline): Conflicting classifications of pathogenicity. Review status: criteria provided, conflicting classifications (1 of 4 stars). 7 submissions from 7 submitters: Pathogenic (3); Likely pathogenic (3); Uncertain significance (1). Last evaluated 2025-07-23.

Conditions:
ACVRL1-related disorder. Also called: ACVRL1-related condition; ACVRL1-related disorders.
Telangiectasia, hereditary hemorrhagic, type 2 (HHT2). Also called: Telangiectasia, hereditary hemorrhagic, type II; ACVRL1-Related Hereditary Hemorrhagic Telangiectasia. Identifiers: Orphanet 774, MedGen C1838163, MONDO:0010880, OMIM 600376. Disease mechanism: loss of function.
Cardiovascular phenotype. Identifiers: MedGen CN230736.

Allele frequency attached by ClinVar (database versions not stated): gnomAD exomes below 0.00001; TOPMed below 0.00001; ExAC 0.00001.

Submissions (7):

Labcorp Genetics (formerly Invitae), Labcorp
Classification: Pathogenic for Telangiectasia, hereditary hemorrhagic, type 2. Last evaluated: 2025-07-23. Review status: criteria provided, single submitter. Criteria: Invitae Variant Classification Sherloc (09022015). Collection method: clinical testing. Allele origin: germline.
Comment: This sequence change replaces serine, which is neutral and polar, with leucine, which is neutral and non-polar, at codon 233 of the ACVRL1 protein (p.Ser233Leu). This variant is present in population databases (rs762773076, gnomAD 0.0009%). This missense change has been observed in individual(s) with hereditary hemorrhagic telangiectasia (PMID: 16525724, 19767588, 21158752; internal data). ClinVar contains an entry for this variant (Variation ID: 439385). Invitae Evidence Modeling of protein sequence and biophysical properties (such as structural, functional, and spatial information, amino acid conservation, physicochemical variation, residue mobility, and thermodynamic stability) indicates that this missense variant is expected to disrupt ACVRL1 protein function with a positive predictive value of 95%. For these reasons, this variant has been classified as Pathogenic.

Blueprint Genetics
Classification: Pathogenic for ACVRL1-related disorders. Last evaluated: 2024-05-07. Review status: criteria provided, single submitter. Criteria: ACMG Guidelines, 2015. Collection method: clinical testing. Allele origin: germline. Affected: yes. Observed: 4 variant alleles.

Mayo Clinic Laboratories, Mayo Clinic
Classification: Likely pathogenic. Last evaluated: 2023-04-28. Review status: criteria provided, single submitter. Criteria: ACMG Guidelines, 2015. Collection method: clinical testing. Allele origin: germline. Observed: 2 variant alleles.
Comment: PP1, PP4, PM2_supporting, PS4

CeGaT Center for Human Genetics Tuebingen
Classification: Likely pathogenic. Last evaluated: 2022-08-01. Review status: criteria provided, single submitter. Criteria: CeGaT Center For Human Genetics Tuebingen Variant Classification Criteria Version 2. Collection method: clinical testing. Allele origin: germline. Affected: yes. Observed: 1 variant allele.
Comment: ACVRL1: PM1, PM2, PP4, PS4:Supporting

Ambry Genetics
Classification: Uncertain significance for Cardiovascular phenotype. Last evaluated: 2022-01-06. Review status: criteria provided, single submitter. Criteria: Ambry Variant Classification Scheme 2023. Collection method: clinical testing. Allele origin: germline.
Comment: The p.S233L variant (also known as c.698C>T), located in coding exon 5 of the ACVRL1 gene, results from a C to T substitution at nucleotide position 698. The serine at codon 233 is replaced by leucine, an amino acid with dissimilar properties. This variant was identified in an individual with epistaxis, telangiectasias, pulmonary arteriovenous malformations, and a family history (Argyriou L et al. Int. J. Mol. Med., 2006 Apr;17:655-9). It was also identified in an individual meeting clinical criteria for hereditary hemorrhagic telangiectasia in conjunction with the ENG p.P198L alteration (McDonald J et al. J Mol Diagn, 2009 Nov;11:569-75; McDonald J et al. Clin. Genet., 2011 Apr;79:335-44). This amino acid position is highly conserved in available vertebrate species. In addition, this alteration is predicted to be deleterious by in silico analysis. Based on available evidence to date, the clinical significance of this alteration remains unclear.

Victorian Clinical Genetics Services, Murdoch Childrens Research Institute
Classification: Likely pathogenic for Telangiectasia, hereditary hemorrhagic, type 2. Last evaluated: 2021-05-06. Review status: criteria provided, single submitter. Criteria: ACMG Guidelines, 2015. Collection method: clinical testing. Allele origin: germline. Inheritance: Autosomal dominant inheritance.
Comment: Based on the classification scheme VCGS_Germline_v1.3.4, this variant is classified as likely pathogenic. Following criteria are met: 0103 - Dominant negative and loss of function are known mechanisms of disease in this gene and are associated with hereditary haemorrhagic telangiectasia type 2 (MIM# 600376) (PMID: 16282348; 26176610). (I) 0115 - Variants in this gene are known to have variable expressivity. Clinical expression is extremely variable and age dependent (PMID: 19767588). (I) 0107 - This gene is associated with autosomal dominant disease. (I) 0200 - Variant is predicted to result in a missense amino acid change from serine to leucine. (I) 0251 - This variant is heterozygous. (I) 0302 - Variant is present in gnomAD (v2) <0.001 for a dominant condition (1 heterozygote, 0 homozygotes). (SP) 0501 - Missense variant consistently predicted to be damaging by multiple in silico tools or highly conserved with a major amino acid change. (SP) 0600 - Variant is located in the annotated protein kinase domain (Uniprot). (I) 0705 - No comparable missense variants have previous evidence for pathogenicity. (I) 0802 - This variant has moderate previous evidence of pathogenicity in unrelated individuals. This variant has previously been reported in individuals with hereditary haemorrhagic telangiectasia (ClinVar, PMID: 16525724, PMID: 19767588, PMID: 21158752). (SP) 0905 - No published segregation evidence has been identified for this variant. (I) 1007 - No published functional evidence has been identified for this variant. (I) 1208 - Inheritance information for this variant is not currently available in this individual. (I) Legend: (SP) - Supporting pathogenic, (I) - Information, (SB) - Supporting benign

ARUP Laboratories, Molecular Genetics and Genomics, ARUP Laboratories
Classification: Pathogenic. Last evaluated: 2016-11-23. Review status: criteria provided, single submitter. Criteria: ARUP Molecular Germline Variant Investigation Process. Collection method: clinical testing. Allele origin: germline.

Literature cited by the submitters: PubMed 16525724 (cited by 4 submitters); PubMed 19767588 (cited by 4 submitters); PubMed 21158752 (cited by 4 submitters); PubMed 16282348 (cited by Victorian Clinical Genetics Services, Murdoch Childrens Research Institute); PubMed 26176610 (cited by Victorian Clinical Genetics Services, Murdoch Childrens Research Institute).

NM_000020.3(ACVRL1):c.698C>T (p.Ser233Leu)

Gene: ACVRL1 (activin A receptor like type 1; plus strand). Cytogenetic location: 12q13.13.
Variant type: single nucleotide variant.
Coding change: c.698C>T on transcript NM_000020.3 (MANE Select); coding-DNA position 698, C replaced by T.
Protein change: p.Ser233Leu; replaces serine 233 with leucine.
Molecular consequence: missense variant.
Genome position (GRCh38, 1-based): chr12:51,914,511, C>T. VCF-style: chr12-51914511-C-T. GRCh37 (hg19) VCF-style: chr12-52308295-C-T.
Other names: c.698C>T, p.Ser233Leu (NM_001077401.2); short protein forms S233L.
Identifiers: ClinVar variation 439385 (VCV000439385.49), dbSNP rs762773076, ClinGen allele CA6572972.